The following is an entry in ClinVar:

ClinVar aggregate classification (germline): Pathogenic. Review status: criteria provided, multiple submitters, no conflicts (2 of 4 stars). 2 submissions from 2 submitters: Pathogenic (2). Last evaluated 2024-01-15.

Conditions:
Epidermolysis bullosa dystrophica. Also called: Dystrophic epidermolysis bullosa, Hallopeau-Siemens type (formerly); Dystrophic epidermolysis bullosa. Identifiers: Orphanet 303, MedGen C0079294, MONDO:0006543.

Submissions (2):

Labcorp Genetics (formerly Invitae), Labcorp
Classification: Pathogenic. Last evaluated: 2024-01-15. Review status: criteria provided, single submitter. Criteria: Invitae Variant Classification Sherloc (09022015). Collection method: clinical testing. Allele origin: germline.
Comment: This sequence change creates a premature translational stop signal (p.Arg1050Valfs*59) in the COL7A1 gene. It is expected to result in an absent or disrupted protein product. Loss-of-function variants in COL7A1 are known to be pathogenic (PMID: 16971478). This variant is not present in population databases (gnomAD no frequency). This premature translational stop signal has been observed in individual(s) with COL7A1-related conditions (PMID: 12485454). ClinVar contains an entry for this variant (Variation ID: 1048004). For these reasons, this variant has been classified as Pathogenic.

Biomedical Innovation Departament, CIEMAT
Classification: Pathogenic for Dystrophic epidermolysis bullosa. Last evaluated: 2013-12-16. Review status: criteria provided, single submitter. Criteria: ACMG Guidelines, 2015. Collection method: research. Allele origin: germline. Affected: yes. Observed: 1 variant allele.

Literature cited by the submitters: PubMed 16971478 (cited by Labcorp Genetics (formerly Invitae), Labcorp); PubMed 12485454 (cited by Labcorp Genetics (formerly Invitae), Labcorp and Biomedical Innovation Departament, CIEMAT).

NM_000094.4(COL7A1):c.3148del (p.Arg1050fs)

Gene: COL7A1 (collagen type VII alpha 1 chain; minus strand). Cytogenetic location: 3p21.31.
Variant type: Deletion.
Coding change: c.3148del on transcript NM_000094.4 (MANE Select); coding-DNA position 3148, one base deleted (C; older notation c.3148delC).
Protein change: p.Arg1050fs; shifts the reading frame from arginine 1050.
Molecular consequence: frameshift variant.
Genome position (GRCh38, 1-based): chr3:48,587,100, G deleted on the plus strand (C on the coding strand, the reverse complement: COL7A1 is on the minus strand); the first of 5 consecutive G bases (chr3:48,587,100-48,587,104); deleting any one gives the same sequence. VCF-style (leftmost placement, unchanged base first): chr3-48587099-CG-C. GRCh37 (hg19) VCF-style: chr3-48624532-CG-C.
Other names: c.3148delC (NM_000094.4); short protein forms R1050fs.
Identifiers: ClinVar variation 1048004 (VCV001048004.5), dbSNP rs2045324382, ClinGen allele CA1363088128.